The following is an entry in ClinVar:

ClinVar aggregate classification (germline): Uncertain significance. Review status: criteria provided, multiple submitters, no conflicts (2 of 4 stars). 2 submissions from 2 submitters: Uncertain significance (2). Last evaluated 2025-09-10.

Conditions:
Inborn genetic diseases. Identifiers: MedGen C0950123, MeSH D030342.

Allele frequency attached by ClinVar (database versions not stated): gnomAD exomes 0.00004; ExAC 0.00006; TOPMed 0.00008; gnomAD 0.00009; ESP Exome Variant Server 0.00023.
gnomAD v4.1: 36 of 1,613,594 alleles (0.0022%); highest among the groups gnomAD compares: African/African-American, 0.035%; no homozygotes.

Submissions (2):

Ambry Genetics
Classification: Uncertain significance for Inborn genetic diseases. Last evaluated: 2025-09-10. Review status: criteria provided, single submitter. Criteria: Ambry Variant Classification Scheme 2023. Collection method: clinical testing. Allele origin: germline.

GeneDx
Classification: Uncertain significance. Last evaluated: 2017-08-31. Review status: criteria provided, single submitter. Criteria: GeneDx Variant Classification (06012015). Collection method: clinical testing. Allele origin: germline. Affected: yes.
Comment: The R201C variant has not been published as a pathogenic variant, nor has it been reported as a benign variant to our knowledge. The R201C variant is observed in 4/10,286 (0.04%) alleles from individuals of African background, in the ExAC dataset (Lek et al., 2016. The R201C variant is a non-conservative amino acid substitution, which is likely to impact secondary protein structure as these residues differ in polarity, charge, size and/or other properties. This substitution occurs at a position that is conserved across species. In silico analysis predicts this variant is probably damaging to the protein structure/function. In summary, based on the currently available information, it is unclear whether this variant is a pathogenic variant or a rare benign variant.

NM_001374385.1(ATP8B1):c.601C>T (p.Arg201Cys)

Gene: ATP8B1 (ATPase phospholipid transporting 8B1; minus strand). Cytogenetic location: 18q21.31.
Variant type: single nucleotide variant.
Coding change: c.601C>T on transcript NM_001374385.1 (MANE Select); coding-DNA position 601, C replaced by T.
Protein change: p.Arg201Cys; replaces arginine 201 with cysteine.
Molecular consequence: missense variant.
Genome position (GRCh38, 1-based): chr18:57,697,821, G>A on the plus strand (C>T on the coding strand, the complement: ATP8B1 is on the minus strand). VCF-style: chr18-57697821-G-A. GRCh37 (hg19) VCF-style: chr18-55365053-G-A.
Other names: c.451C>T, p.Arg151Cys (NM_001374386.1); c.601C>T, p.Arg201Cys (NM_005603.6); short protein forms R201C, R151C.
Identifiers: ClinVar variation 451771 (VCV000451771.3), dbSNP rs375773988, ClinGen allele CA8974797.